The following is an entry in ClinVar:

NM_004006.3(DMD):c.5738_5739+4del

Gene: DMD (dystrophin; minus strand). Cytogenetic location: Xp21.1.
Variant type: Deletion.
Coding change: c.5738_5739+4del on transcript NM_004006.3 (MANE Select); coding-DNA position 5738 through 4 bases into the intron after coding-DNA position 5739, 6 bases deleted (AGGTAA; older notation c.5738_5739+4delAGGTAA).
Molecular consequence: splice donor variant.
Genome position (GRCh38, 1-based): chrX:32,343,130-32,343,135, TTACCT deleted on the plus strand (AGGTAA on the coding strand, the reverse complement: DMD is on the minus strand); deleting any 6 consecutive bases within chrX:32,343,130-32,343,138 gives the same sequence; the c. name uses the placement nearest the transcript's 3' end. VCF-style (leftmost placement, unchanged base first): chrX-32343129-ATTACCT-A. GRCh37 (hg19) VCF-style: chrX-32361246-ATTACCT-A.
Other names: c.5714_5715+4del (NM_000109.4); c.1715_1716+4del (NM_004011.4); c.1706_1707+4del (NM_004012.4); c.5726_5727+4del (NM_004009.3); c.5369_5370+4del (NM_004010.3).
Identifiers: ClinVar variation 1480235 (VCV001480235.6), dbSNP rs2146989498, ClinGen allele CA2573158784.
Genomic context (GRCh38, chrX:32,343,129, plus strand): 5'-TGATCTTCACAGGTTAATTAAACTGTATAATAAAATCTGGTATTGACATTCTAAAACAAC[ATTACCT>A]TTATTTTCCTTTCATCTCTGGGCTCAGGTAGGCTGGCTAATTTTTTTTCAATGTCATCCA-3'

ClinVar aggregate classification (germline): Likely pathogenic (1 of 4 stars; one submission).

Conditions:
Duchenne muscular dystrophy (DMD). Also called: Duchenne Muscular Dystrophy (DMD); MUSCULAR DYSTROPHY, PSEUDOHYPERTROPHIC PROGRESSIVE, DUCHENNE TYPE. Identifiers: Orphanet 98896, MedGen C0013264, MONDO:0010679, OMIM 310200.

Submission:

Labcorp Genetics (formerly Invitae), Labcorp
Classification: Likely pathogenic for Duchenne muscular dystrophy. Last evaluated: 2021-05-19. Review status: criteria provided, single submitter. Criteria: Invitae Variant Classification Sherloc (09022015). Collection method: clinical testing. Allele origin: germline.
Comment: This variant has not been reported in the literature in individuals with DMD-related conditions. This variant is not present in population databases (ExAC no frequency). This variant results in the deletion of part of exon 40 (c.5738_5739+4del) of the DMD gene. It is expected to disrupt RNA splicing. Variants that disrupt the donor or acceptor splice site typically lead to a loss of protein function (PMID: 16199547), and loss-of-function variants in DMD are known to be pathogenic (PMID: 16770791, 25007885). In summary, the currently available evidence indicates that the variant is pathogenic, but additional data are needed to prove that conclusively. Therefore, this variant has been classified as Likely Pathogenic. Algorithms developed to predict the effect of sequence changes on RNA splicing suggest that this variant may disrupt the consensus splice site, but this prediction has not been confirmed by published transcriptional studies.

Literature cited by the submitters: PubMed 16199547; PubMed 16770791; PubMed 25007885.